The following is an entry in ClinVar:

ClinVar aggregate classification (germline): Uncertain significance (1 of 4 stars; one submission).

Allele frequency attached by ClinVar (database versions not stated): gnomAD exomes below 0.00001.

Submission:

Labcorp Genetics (formerly Invitae), Labcorp
Classification: Uncertain significance. Last evaluated: 2021-12-16. Review status: criteria provided, single submitter. Criteria: Invitae Variant Classification Sherloc (09022015). Collection method: clinical testing. Allele origin: germline.
Comment: This sequence change replaces methionine, which is neutral and non-polar, with isoleucine, which is neutral and non-polar, at codon 1628 of the UNC80 protein (p.Met1628Ile). This variant is not present in population databases (gnomAD no frequency). In summary, the available evidence is currently insufficient to determine the role of this variant in disease. Therefore, it has been classified as a Variant of Uncertain Significance. Algorithms developed to predict the effect of missense changes on protein structure and function are either unavailable or do not agree on the potential impact of this missense change (SIFT: "Not Available"; PolyPhen-2: "Possibly Damaging"; Align-GVGD: "Not Available"). This variant has not been reported in the literature in individuals affected with UNC80-related conditions.

NM_001371986.1(UNC80):c.5082G>A (p.Met1694Ile)

Genes: UNC80 (unc-80 homolog, NALCN channel complex subunit; plus strand), LOC126806490 (P300/CBP strongly-dependent group 1 enhancer GRCh37_chr2:210782411-210783610; plus strand). Cytogenetic location: 2q34.
Variant type: single nucleotide variant.
Coding change: c.5082G>A on transcript NM_001371986.1 (MANE Select); coding-DNA position 5082, G replaced by A.
Protein change: p.Met1694Ile; replaces methionine 1694 with isoleucine.
Molecular consequence: missense variant.
Genome position (GRCh38, 1-based): chr2:209,917,829, G>A. VCF-style: chr2-209917829-G-A. GRCh37 (hg19) VCF-style: chr2-210782553-G-A.
Other names: c.4884G>A, p.Met1628Ile (NM_032504.2); c.4869G>A, p.Met1623Ile (NM_182587.4); short protein forms M1623I, M1628I, M1694I.
Identifiers: ClinVar variation 2419443 (VCV002419443.5), dbSNP rs2471126518, ClinGen allele CA350758694.